The following is an entry in ClinVar:

NM_032634.4(PIGO):c.2185C>A (p.Pro729Thr)

Gene: PIGO (phosphatidylinositol glycan anchor biosynthesis class O; minus strand). Cytogenetic location: 9p13.3.
Variant type: single nucleotide variant.
Coding change: c.2185C>A on transcript NM_032634.4 (MANE Select); coding-DNA position 2185, C replaced by A.
Protein change: p.Pro729Thr; replaces proline 729 with threonine.
Molecular consequence: missense variant. On other transcripts: intron variant (2).
Genome position (GRCh38, 1-based): chr9:35,091,702, G>T on the plus strand (C>A on the coding strand, the complement: PIGO is on the minus strand). VCF-style: chr9-35091702-G-T. GRCh37 (hg19) VCF-style: chr9-35091699-G-T.
Other names: c.1345-411C>A (NM_152850.4, NM_001201484.2); short protein forms P729T.
Identifiers: ClinVar variation 1036937 (VCV001036937.8), dbSNP rs925153680, ClinGen allele CA373320606.

ClinVar aggregate classification (germline): Uncertain significance (1 of 4 stars; one submission).

Conditions:
Hyperphosphatasia with impaired intellectual development syndrome 2. Also called: Hyperphosphatasia with intellectual disability syndrome 2; GLYCOSYLPHOSPHATIDYLINOSITOL BIOSYNTHESIS DEFECT 6. Identifiers: Orphanet 247262, MedGen C3553637, MONDO:0013882, OMIM 614749.

Allele frequency attached by ClinVar (database versions not stated): TOPMed below 0.00001.
gnomAD v4.1: 2 of 1,612,428 alleles (0.00012%); highest among the groups gnomAD compares: Non-Finnish European, 0.00017%; no homozygotes.

Submission:

Labcorp Genetics (formerly Invitae), Labcorp
Classification: Uncertain significance for Hyperphosphatasia with impaired intellectual development syndrome 2. Last evaluated: 2024-02-16. Review status: criteria provided, single submitter. Criteria: Invitae Variant Classification Sherloc (09022015). Collection method: clinical testing. Allele origin: germline.
Comment: This sequence change replaces proline, which is neutral and non-polar, with threonine, which is neutral and polar, at codon 729 of the PIGO protein (p.Pro729Thr). This variant is not present in population databases (gnomAD no frequency). This variant has not been reported in the literature in individuals affected with PIGO-related conditions. ClinVar contains an entry for this variant (Variation ID: 1036937). An algorithm developed to predict the effect of missense changes on protein structure and function (PolyPhen-2) suggests that this variant is likely to be disruptive. In summary, the available evidence is currently insufficient to determine the role of this variant in disease. Therefore, it has been classified as a Variant of Uncertain Significance.